The following is an entry in ClinVar:

NM_004628.5(XPC):c.2404G>A (p.Gly802Ser)

Gene: XPC (XPC complex subunit, DNA damage recognition and repair factor; minus strand). Cytogenetic location: 3p25.1.
Variant type: single nucleotide variant.
Coding change: c.2404G>A on transcript NM_004628.5 (MANE Select); coding-DNA position 2404, G replaced by A.
Protein change: p.Gly802Ser; replaces glycine 802 with serine.
Molecular consequence: missense variant. On other transcripts: non-coding transcript variant (2).
Genome position (GRCh38, 1-based): chr3:14,148,578, C>T on the plus strand (G>A on the coding strand, the complement: XPC is on the minus strand). VCF-style: chr3-14148578-C-T. GRCh37 (hg19) VCF-style: chr3-14190078-C-T.
Other names: c.1825G>A, p.Gly609Ser (NM_001354726.2); c.2398G>A, p.Gly800Ser (NM_001354727.2); c.2386G>A, p.Gly796Ser (NM_001354729.2); c.2158G>A, p.Gly720Ser (NM_001354730.2); short protein forms G802S, G796S, G609S, G720S, G800S.
Identifiers: ClinVar variation 135470 (VCV000135470.12), dbSNP rs200148127, ClinGen allele CA162868.
Genomic context (GRCh38, chr3:14,148,578, plus strand): 5'-TCCCCATCCCTGTGTTTAGCCTCCATCGAAGGCCCCTCACGCACACGGGATGGGAGTAGC[C>T]GCCATGGAAATCAAAGCCAGTGATGGCCTGGACACAGTCGATGTCCAGCTTGCGGGCCAC-3'
Protein context (NP_004619.3, residues 792-812): QAITGFDFHG[Gly802Ser]YSHPVTDGYI

ClinVar aggregate classification (germline): Uncertain significance. Review status: criteria provided, multiple submitters, no conflicts (2 of 4 stars). 7 submissions from 7 submitters: Uncertain significance (5). 2 of the submissions do not count toward it. Last evaluated 2024-10-26.

Conditions:
Xeroderma pigmentosum, group C (XPC). Also called: XERODERMA PIGMENTOSUM III; Xeroderma pigmentosum, complementation group C; XPC-Related Xeroderma Pigmentosum; XP, GROUP C. Identifiers: Orphanet 910, MedGen C2752147, MONDO:0010211, OMIM 278720.

Allele frequency attached by ClinVar (database versions not stated): gnomAD 0.00031 and 0.00041; ESP Exome Variant Server 0.00041; ExAC 0.00042; TOPMed 0.00043; gnomAD exomes 0.00046 and 0.00060; 1000 Genomes Project 30x 0.00125; 1000 Genomes Project 0.00160.
gnomAD v4.1: 935 of 1,613,894 alleles (0.058%); highest among the groups gnomAD compares: South Asian, 0.15%; 3 homozygotes.

Submissions (7):

Labcorp Genetics (formerly Invitae), Labcorp
Classification: Uncertain significance. Last evaluated: 2024-10-26. Review status: criteria provided, single submitter. Criteria: Invitae Variant Classification Sherloc (09022015). Collection method: clinical testing. Allele origin: germline.
Comment: This sequence change replaces glycine, which is neutral and non-polar, with serine, which is neutral and polar, at codon 802 of the XPC protein (p.Gly802Ser). This variant is present in population databases (rs200148127, gnomAD 0.1%), and has an allele count higher than expected for a pathogenic variant. This variant has not been reported in the literature in individuals affected with XPC-related conditions. ClinVar contains an entry for this variant (Variation ID: 135470). Invitae Evidence Modeling of protein sequence and biophysical properties (such as structural, functional, and spatial information, amino acid conservation, physicochemical variation, residue mobility, and thermodynamic stability) indicates that this missense variant is expected to disrupt XPC protein function with a positive predictive value of 80%. In summary, the available evidence is currently insufficient to determine the role of this variant in disease. Therefore, it has been classified as a Variant of Uncertain Significance.

Blueprint Genetics
Classification: Uncertain significance. Last evaluated: 2024-10-18. Review status: criteria provided, single submitter. Criteria: ACMG Guidelines, 2015. Collection method: clinical testing. Allele origin: germline.

Fulgent Genetics
Classification: Uncertain significance for Xeroderma pigmentosum, group C. Last evaluated: 2024-01-23. Review status: criteria provided, single submitter. Criteria: ACMG Guidelines, 2015. Collection method: clinical testing. Allele origin: germline.

GeneDx
Classification: Uncertain significance. Last evaluated: 2021-11-08. Review status: criteria provided, single submitter. Criteria: GeneDx Variant Classification Process June 2021. Collection method: clinical testing. Allele origin: germline. Affected: yes.
Comment: In silico analysis supports that this missense variant has a deleterious effect on protein structure/function; In-silico analysis is inconclusive as to whether the variant alters gene splicing. In the absence of RNA/functional studies, the actual effect of this sequence change is unknown.; Observed in individuals with breast cancer, thyroid cancer, and other cancers (Zhang 2015, Ballinger 2016, Mio 2021, Sandoval 2021); This variant is associated with the following publications: (PMID: 24728327, 27153395, 26580448, 33821390, 27498913, 33606809)

Institute for Clinical Genetics, University Hospital TU Dresden, University Hospital TU Dresden
Classification: Uncertain significance. Last evaluated: 2021-11-03. Review status: criteria provided, single submitter. Criteria: ACMG Guidelines, 2015. Collection method: clinical testing. Allele origin: germline.

ITMI
No classification provided. Condition: AllHighlyPenetrant. Last evaluated: 2013-09-19. Review status: no classification provided. Collection method: reference population. Allele origin: germline. Not counted in ClinVar's aggregate classification.
Comment: Please see associated publication for description of ethnicities

Department of Pathology and Laboratory Medicine, Sinai Health System
Classification: Uncertain significance. Review status: no assertion criteria provided. Collection method: clinical testing. Allele origin: unknown. Affected: yes. Study: The Canadian Open Genetics Repository (COGR). Not counted in ClinVar's aggregate classification.
Comment: The XPC p.Gly720Ser variant was not identified in the literature nor was it identified in Cosmic or LOVD 3.0. The variant was identified in dbSNP (ID: rs200148127) and in ClinVar (variant classifcation was not provided; submission by ITMI) The variant was also found in control databases in 125 of 280564 chromosomes at a frequency of 0.000446 increasing the likelihood this could be a low frequency benign variant (Genome Aggregation Database Feb 27, 2017). The variant was observed in the following populations: Other in 10 of 7140 chromosomes (freq: 0.001401), South Asian in 33 of 30602 chromosomes (freq: 0.001078), European (non-Finnish) in 61 of 128366 chromosomes (freq: 0.000475), Latino in 15 of 35358 chromosomes (freq: 0.000424), Ashkenazi Jewish in 2 of 10356 chromosomes (freq: 0.000193) and African in 4 of 24190 chromosomes (freq: 0.000165), while the variant was not observed in the East Asian and European (Finnish) populations. The variant occurs outside of the splicing consensus sequence and 4 of 4 in silico or computational prediction software programs (SpliceSiteFinder, MaxEntScan, NNSPLICE, GeneSplicer) predict a greater than 10% difference in splicing, all splicing programs predict the gain of a 3' splice site at c.1620. However, this information is not predictive enough to assume pathogenicity. The p.Gly720 residue is conserved in mammals and other organisms, and computational analyses (PolyPhen-2, SIFT, AlignGVGD, BLOSUM, MutationTaster) provide inconsistent predictions regarding the impact to the protein; this information is not very predictive of pathogenicity. In summary, based on the above information the clinical significance of this variant cannot be determined with certainty at this time. This variant is classified as a variant of uncertain significance.

Literature cited by the submitters: PubMed 24728327 (cited by ITMI).